The following is an entry in ClinVar:

ClinVar aggregate classification (germline): Likely benign. Review status: criteria provided, multiple submitters, no conflicts (2 of 4 stars). 3 submissions from 3 submitters: Likely benign (3). Last evaluated 2025-08-18.

Conditions:
Inborn genetic diseases. Identifiers: MedGen C0950123, MeSH D030342.
Rubinstein-Taybi syndrome (RSTS). Identifiers: Orphanet 783, MedGen C0035934, MONDO:0019188.

Allele frequency attached by ClinVar (database versions not stated): TOPMed 0.00003; gnomAD 0.00004; ExAC 0.00007; ESP Exome Variant Server 0.00008; gnomAD exomes 0.00011.
gnomAD v4.1: 161 of 1,613,982 alleles (0.01%); highest among the groups gnomAD compares: Non-Finnish European, 0.012%; no homozygotes.

Submissions (3):

Labcorp Genetics (formerly Invitae), Labcorp
Classification: Likely benign for Rubinstein-Taybi syndrome. Last evaluated: 2025-08-18. Review status: criteria provided, single submitter. Criteria: Invitae Variant Classification Sherloc (09022015). Collection method: clinical testing. Allele origin: germline.

CeGaT Center for Human Genetics Tuebingen
Classification: Likely benign. Last evaluated: 2024-02-01. Review status: criteria provided, single submitter. Criteria: CeGaT Center For Human Genetics Tuebingen Variant Classification Criteria Version 2. Collection method: clinical testing. Allele origin: germline. Affected: yes. Observed: 1 variant allele.
Comment: CREBBP: BP4, BP7

Ambry Genetics
Classification: Likely benign for Inborn genetic diseases. Last evaluated: 2018-02-27. Review status: criteria provided, single submitter. Criteria: Ambry Variant Classification Scheme 2023. Collection method: clinical testing. Allele origin: germline.

NM_004380.3(CREBBP):c.234C>T (p.Ser78=)

Gene: CREBBP (CREB binding lysine acetyltransferase; minus strand). Cytogenetic location: 16p13.3.
Variant type: single nucleotide variant.
Coding change: c.234C>T on transcript NM_004380.3 (MANE Select); coding-DNA position 234, C replaced by T.
Protein change: p.Ser78=; no amino-acid change (serine 78 retained).
Molecular consequence: synonymous variant.
Genome position (GRCh38, 1-based): chr16:3,850,861, G>A on the plus strand (C>T on the coding strand, the complement: CREBBP is on the minus strand). VCF-style: chr16-3850861-G-A. GRCh37 (hg19) VCF-style: chr16-3900862-G-A.
Other names: c.234C>T, p.Ser78= (NM_001079846.1).
Identifiers: ClinVar variation 1789979 (VCV001789979.27), dbSNP rs145925174, ClinGen allele CA7870720.